The following is an entry in ClinVar:

NM_025179.4(PLXNA2):c.2249T>C (p.Val750Ala)

Gene: PLXNA2 (plexin A2; minus strand). Cytogenetic location: 1q32.2.
Variant type: single nucleotide variant.
Coding change: c.2249T>C on transcript NM_025179.4 (MANE Select); coding-DNA position 2249, T replaced by C.
Protein change: p.Val750Ala; replaces valine 750 with alanine.
Molecular consequence: missense variant.
Genome position (GRCh38, 1-based): chr1:208,084,429, A>G on the plus strand (T>C on the coding strand, the complement: PLXNA2 is on the minus strand). VCF-style: chr1-208084429-A-G. GRCh37 (hg19) VCF-style: chr1-208257774-A-G.
Other names: c.2249T>C (NM_025179.3); short protein forms V750A.
Identifiers: ClinVar variation 1456560 (VCV001456560.11), dbSNP rs201718455, ClinGen allele CA1373595.

ClinVar aggregate classification (germline): Likely benign. Review status: criteria provided, multiple submitters, no conflicts (2 of 4 stars). 3 submissions from 3 submitters: Likely benign (2). 1 of the submissions does not count toward it. Last evaluated 2025-12-25.

Conditions:
PLXNA2-related disorder. Also called: PLXNA2-related condition.

Allele frequency attached by ClinVar (database versions not stated): gnomAD 0.00012 and 0.00023; gnomAD exomes 0.00023 and 0.00039; ExAC 0.00041; 1000 Genomes Project 0.00060; 1000 Genomes Project 30x 0.00078.
gnomAD v4.1: 378 of 1,614,200 alleles (0.023%); highest among the groups gnomAD compares: Middle Eastern, 0.26%; 1 homozygote.

Submissions (3):

Labcorp Genetics (formerly Invitae), Labcorp
Classification: Likely benign. Last evaluated: 2025-12-25. Review status: criteria provided, single submitter. Criteria: Invitae Variant Classification Sherloc (09022015). Collection method: clinical testing. Allele origin: germline.

Breakthrough Genomics
Classification: Likely benign. Review status: criteria provided, single submitter. Criteria: ACMG Guidelines, 2015. Collection method: not provided. Allele origin: germline. Inheritance: Unknown mechanism. Affected: yes.

PreventionGenetics, part of Exact Sciences
Classification: Likely benign for PLXNA2-related condition. Last evaluated: 2022-04-19. Review status: no assertion criteria provided. Collection method: clinical testing. Allele origin: germline. Not counted in ClinVar's aggregate classification.
Comment: This variant is classified as likely benign based on ACMG/AMP sequence variant interpretation guidelines (Richards et al. 2015 PMID: 25741868, with internal and published modifications).